The following is an entry in ClinVar:

ClinVar aggregate classification (germline): Uncertain significance (1 of 4 stars; one submission).

Conditions:
TH-deficient dopa-responsive dystonia. Also called: DYT-TH; Tyrosine Hydroxylase-Deficient Dopa-Responsive Dystonia; Segawa syndrome, autosomal recessive. Identifiers: Orphanet 101150, MedGen C2673535, MONDO:0011551, OMIM 605407.

Allele frequency attached by ClinVar (database versions not stated): gnomAD exomes below 0.00001.
gnomAD v4.1: 1 of 1,613,246 alleles (0.000062%); highest among the groups gnomAD compares: Non-Finnish European, 0.000085%; no homozygotes.

Submission:

Labcorp Genetics (formerly Invitae), Labcorp
Classification: Uncertain significance for TH-deficient dopa-responsive dystonia. Last evaluated: 2025-12-15. Review status: criteria provided, single submitter. Criteria: Invitae Variant Classification Sherloc (09022015). Collection method: clinical testing. Allele origin: germline.
Comment: This sequence change replaces serine, which is neutral and polar, with proline, which is neutral and non-polar, at codon 118 of the TH protein (p.Ser118Pro). This variant is not present in population databases (gnomAD no frequency). This missense change has been observed in individual(s) with clinical features of primary dystonia (internal data). ClinVar contains an entry for this variant (Variation ID: 1005190). Invitae Evidence Modeling of protein sequence and biophysical properties (such as structural, functional, and spatial information, amino acid conservation, physicochemical variation, residue mobility, and thermodynamic stability) has been performed for this missense variant. However, the output from this modeling did not meet the statistical confidence thresholds required to predict the impact of this variant on TH protein function. In summary, the available evidence is currently insufficient to determine the role of this variant in disease. Therefore, it has been classified as a Variant of Uncertain Significance.

NM_000360.4(TH):c.259T>C (p.Ser87Pro)

Gene: TH (tyrosine hydroxylase; minus strand). Cytogenetic location: 11p15.5.
Variant type: single nucleotide variant.
Coding change: c.259T>C on transcript NM_000360.4 (MANE Select); coding-DNA position 259, T replaced by C.
Protein change: p.Ser87Pro; replaces serine 87 with proline.
Molecular consequence: missense variant.
Genome position (GRCh38, 1-based): chr11:2,169,703, A>G on the plus strand (T>C on the coding strand, the complement: TH is on the minus strand). VCF-style: chr11-2169703-A-G. GRCh37 (hg19) VCF-style: chr11-2190933-A-G.
Other names: c.352T>C, p.Ser118Pro (NM_199292.3); c.340T>C, p.Ser114Pro (NM_199293.3); short protein forms S114P, S118P, S87P.
Identifiers: ClinVar variation 1005190 (VCV001005190.7), dbSNP rs1846199834, ClinGen allele CA379112218.